The following is an entry in ClinVar:

NM_006929.5(SKIC2):c.695G>A (p.Gly232Glu)

Gene: SKIC2 (SKI2 subunit of superkiller complex; plus strand). Cytogenetic location: 6p21.33.
Variant type: single nucleotide variant.
Coding change: c.695G>A on transcript NM_006929.5 (MANE Select); coding-DNA position 695, G replaced by A.
Protein change: p.Gly232Glu; replaces glycine 232 with glutamic acid.
Molecular consequence: missense variant.
Genome position (GRCh38, 1-based): chr6:31,961,292, G>A. VCF-style: chr6-31961292-G-A. GRCh37 (hg19) VCF-style: chr6-31929069-G-A.
Other names: short protein forms G232E.
Identifiers: ClinVar variation 1464380 (VCV001464380.6), dbSNP rs1282467517, ClinGen allele CA363443979.

ClinVar aggregate classification (germline): Uncertain significance (1 of 4 stars; one submission).

Allele frequency attached by ClinVar (database versions not stated): gnomAD exomes below 0.00001 and 0.00001.
gnomAD v4.1: 3 of 1,607,178 alleles (0.00019%); highest among the groups gnomAD compares: Middle Eastern, 0.05%; no homozygotes.

Submission:

Labcorp Genetics (formerly Invitae), Labcorp
Classification: Uncertain significance. Last evaluated: 2022-07-12. Review status: criteria provided, single submitter. Criteria: Invitae Variant Classification Sherloc (09022015). Collection method: clinical testing. Allele origin: germline.
Comment: In summary, the available evidence is currently insufficient to determine the role of this variant in disease. Therefore, it has been classified as a Variant of Uncertain Significance. Algorithms developed to predict the effect of missense changes on protein structure and function (SIFT, PolyPhen-2, Align-GVGD) all suggest that this variant is likely to be tolerated. ClinVar contains an entry for this variant (Variation ID: 1464380). This variant has not been reported in the literature in individuals affected with SKIV2L-related conditions. This variant is present in population databases (no rsID available, gnomAD no frequency). This sequence change replaces glycine, which is neutral and non-polar, with glutamic acid, which is acidic and polar, at codon 232 of the SKIV2L protein (p.Gly232Glu).